The following is an entry in ClinVar:

ClinVar aggregate classification (germline): Benign/Likely benign. Review status: criteria provided, multiple submitters, no conflicts (2 of 4 stars). 3 submissions from 3 submitters: Benign (1); Likely benign (1). 1 of the submissions does not count toward it. Last evaluated 2025-12-21.

Conditions:
PODXL-related disorder. Also called: PODXL-related condition.

Allele frequency attached by ClinVar (database versions not stated): ESP Exome Variant Server 0.00206; gnomAD 0.00293 and 0.00317; 1000 Genomes Project 0.00339; TOPMed 0.00340; 1000 Genomes Project 30x 0.00344.
gnomAD v4.1: 823 of 1,504,428 alleles (0.055%); highest among the groups gnomAD compares: African/African-American, 1.1%; 3 homozygotes.

Submissions (3):

Labcorp Genetics (formerly Invitae), Labcorp
Classification: Benign. Last evaluated: 2025-12-21. Review status: criteria provided, single submitter. Criteria: Invitae Variant Classification Sherloc (09022015). Collection method: clinical testing. Allele origin: germline.

CeGaT Center for Human Genetics Tuebingen
Classification: Likely benign. Last evaluated: 2025-12-01. Review status: criteria provided, single submitter. Criteria: CeGaT Center For Human Genetics Tuebingen Variant Classification Criteria Version 2. Collection method: clinical testing. Allele origin: germline. Affected: yes. Observed: 1 variant allele.
Comment: PODXL: BP4, BP7, BS1

PreventionGenetics, part of Exact Sciences
Classification: Benign for PODXL-related condition. Last evaluated: 2019-08-14. Review status: no assertion criteria provided. Collection method: clinical testing. Allele origin: germline. Not counted in ClinVar's aggregate classification.
Comment: This variant is classified as benign based on ACMG/AMP sequence variant interpretation guidelines (Richards et al. 2015 PMID: 25741868, with internal and published modifications).

NM_001018111.3(PODXL):c.40T>C (p.Leu14=)

Genes: PODXL (podocalyxin like; minus strand), LOC129999375 (ATAC-STARR-seq lymphoblastoid silent region 18663; plus strand). Cytogenetic location: 7q32.3.
Variant type: single nucleotide variant.
Coding change: c.40T>C on transcript NM_001018111.3 (MANE Select); coding-DNA position 40, T replaced by C.
Protein change: p.Leu14=; no amino-acid change (leucine 14 retained).
Molecular consequence: synonymous variant.
Genome position (GRCh38, 1-based): chr7:131,556,320, A>G on the plus strand (T>C on the coding strand, the complement: PODXL is on the minus strand). VCF-style: chr7-131556320-A-G. GRCh37 (hg19) VCF-style: chr7-131241079-A-G.
Other names: c.40T>C, p.Leu14= (NM_005397.4).
Identifiers: ClinVar variation 718521 (VCV000718521.16), dbSNP rs373593598, ClinGen allele CA4488801.